The following is an entry in ClinVar:

ClinVar aggregate classification (germline): Uncertain significance (1 of 4 stars; one submission).

Conditions:
CFAP410-related disorder. Also called: CFAP410-related condition.

Allele frequency attached by ClinVar (database versions not stated): TOPMed 0.00006; ExAC 0.00008; gnomAD 0.00010; 1000 Genomes Project 30x 0.00016; 1000 Genomes Project 0.00020.
gnomAD v4.1: 70 of 1,545,596 alleles (0.0045%); highest among the groups gnomAD compares: African/African-American, 0.014%; no homozygotes.

Submission:

PreventionGenetics, part of Exact Sciences
Classification: Uncertain significance for CFAP410-related condition. Last evaluated: 2026-07-17. Review status: criteria provided, single submitter. Criteria: ACMG Guidelines, 2015. Collection method: clinical testing. Allele origin: germline.
Comment: The CFAP410 c.956G>A variant is predicted to result in the amino acid substitution p.Arg319His. To our knowledge, this variant has not been reported in the literature. This variant is reported in 0.024% of alleles in individuals of East Asian descent in gnomAD. At this time, the clinical significance of this variant is uncertain due to the absence of conclusive functional and genetic evidence.

NM_004928.3(CFAP410):c.643-180G>A

Gene: CFAP410 (cilia and flagella associated protein 410; minus strand). Cytogenetic location: 21q22.3.
Variant type: single nucleotide variant.
Coding change: c.643-180G>A on transcript NM_004928.3 (MANE Select); 180 bases into the intron before coding-DNA position 643, G replaced by A.
Molecular consequence: intron variant. On other transcripts: missense variant (1).
Genome position (GRCh38, 1-based): chr21:44,330,506, C>T on the plus strand (G>A on the coding strand, the complement: CFAP410 is on the minus strand). VCF-style: chr21-44330506-C-T. GRCh37 (hg19) VCF-style: chr21-45750389-C-T.
Other names: c.956G>A, p.Arg319His (NM_001271441.2); c.640-180G>A (NM_001271440.2); c.517-180G>A (NM_001271442.1); short protein forms R319H.
Identifiers: ClinVar variation 2634537 (VCV002634537.2), dbSNP rs538357108, ClinGen allele CA10053534.